The following is an entry in ClinVar:

NM_000702.4(ATP1A2):c.2473G>A (p.Glu825Lys)

Gene: ATP1A2 (ATPase Na+/K+ transporting subunit alpha 2; plus strand). Cytogenetic location: 1q23.2.
Variant type: single nucleotide variant.
Coding change: c.2473G>A on transcript NM_000702.4 (MANE Select); coding-DNA position 2473, G replaced by A.
Protein change: p.Glu825Lys; replaces glutamic acid 825 with lysine.
Molecular consequence: missense variant.
Genome position (GRCh38, 1-based): chr1:160,136,280, G>A. VCF-style: chr1-160136280-G-A. GRCh37 (hg19) VCF-style: chr1-160106070-G-A.
Other names: short protein forms E825K.
Identifiers: ClinVar variation 1055716 (VCV001055716.9), dbSNP rs2101995840, ClinGen allele CA343251278.

ClinVar aggregate classification (germline): Uncertain significance (1 of 4 stars; one submission).

Conditions:
Familial hemiplegic migraine. Identifiers: MedGen C0338484, MONDO:0000700.

Submission:

Labcorp Genetics (formerly Invitae), Labcorp
Classification: Uncertain significance for Familial hemiplegic migraine. Last evaluated: 2020-04-01. Review status: criteria provided, single submitter. Criteria: Invitae Variant Classification Sherloc (09022015). Collection method: clinical testing. Allele origin: germline.
Comment: This variant has been reported to affect ATP1A2 protein function (PMID: 24498617). In summary, the available evidence is currently insufficient to determine the role of this variant in disease. Therefore, it has been classified as a Variant of Uncertain Significance. This sequence change replaces glutamic acid with lysine at codon 825 of the ATP1A2 protein (p.Glu825Lys). The glutamic acid residue is highly conserved and there is a small physicochemical difference between glutamic acid and lysine. This variant is not present in population databases (ExAC no frequency). This variant has been observed in individual(s) with familial hemiplegic migraine (PMID: 24498617).

Literature cited by the submitters: PubMed 24498617.